The following is an entry in ClinVar:

Conditions:
Long QT syndrome 5 (LQT5). Identifiers: Orphanet 101016, Orphanet 768, MedGen C1867904, MONDO:0013372, OMIM 613695.

Submission:

Roden Lab, Vanderbilt University Medical Center
No classification provided (evidence only). Condition: Long QT syndrome 5. Review status: no classification provided. Collection method: in vitro. Allele origin: not applicable. Functional consequence: Effect on ion channel function.
ClinVar note: "not provided" was previously submitted as the classification for the variant. However, the classification appeared to be based only on an observation of functional data so it was converted to no classification on 2025-07-30.

NM_000219.6(KCNE1):c.313T>C (p.Ser105Pro)

Gene: KCNE1 (potassium voltage-gated channel subfamily E regulatory subunit 1; minus strand). Cytogenetic location: 21q22.12.
Variant type: single nucleotide variant.
Coding change: c.313T>C on transcript NM_000219.6 (MANE Select); coding-DNA position 313, T replaced by C.
Protein change: p.Ser105Pro; replaces serine 105 with proline.
Molecular consequence: missense variant.
Genome position (GRCh38, 1-based): chr21:34,449,322, A>G on the plus strand (T>C on the coding strand, the complement: KCNE1 is on the minus strand). VCF-style: chr21-34449322-A-G. GRCh37 (hg19) VCF-style: chr21-35821620-A-G.
Other names: c.313T>C, p.Ser105Pro (NM_001127668.4, NM_001127669.4, NM_001127670.4 and 4 more transcripts); short protein forms S105P.
Identifiers: ClinVar variation 3374610 (VCV003374610.2).
Genomic context (GRCh38, chr21:34,449,322, plus strand): 5'-TCTCAGGAAGGTGTGTGTTGGGTTGTTCTATGGCCAGATGGTTTTCAACGACATAGCACG[A>G]CCTGTAGCTCTCCAGGACCCGGGCCTGGACATAGGCCTTGTCCTTCTCTTGCCAGGCATC-3'
Protein context (NP_000210.2, residues 95-115): VQARVLESYR[Ser105Pro]CYVVENHLAI